The following is an entry in ClinVar:

ClinVar aggregate classification (germline): Uncertain significance (1 of 4 stars; one submission).

Submission:

CeGaT Center for Human Genetics Tuebingen
Classification: Uncertain significance. Last evaluated: 2026-04-01. Review status: criteria provided, single submitter. Criteria: CeGaT Center For Human Genetics Tuebingen Variant Classification Criteria Version 2. Collection method: clinical testing. Allele origin: germline. Affected: yes. Observed: 1 variant allele.
Comment: CDH11: PM2, BP4

NM_001797.4(CDH11):c.1251A>G (p.Ile417Met)

Gene: CDH11 (cadherin 11; minus strand). Cytogenetic location: 16q21.
Variant type: single nucleotide variant.
Coding change: c.1251A>G on transcript NM_001797.4 (MANE Select); coding-DNA position 1251, A replaced by G.
Protein change: p.Ile417Met; replaces isoleucine 417 with methionine.
Molecular consequence: missense variant.
Genome position (GRCh38, 1-based): chr16:64,982,050, T>C on the plus strand (A>G on the coding strand, the complement: CDH11 is on the minus strand). VCF-style: chr16-64982050-T-C. GRCh37 (hg19) VCF-style: chr16-65015953-T-C.
Other names: c.1251A>G, p.Ile417Met (NM_001308392.2); c.873A>G, p.Ile291Met (NM_001330576.2); short protein forms I291M, I417M.
Identifiers: ClinVar variation 4874550 (VCV004874550.2).